The following is an entry in ClinVar:

NM_000455.5(STK11):c.290+4A>G

Gene: STK11 (serine/threonine kinase 11; plus strand). Cytogenetic location: 19p13.3.
Variant type: single nucleotide variant.
Coding change: c.290+4A>G on transcript NM_000455.5 (MANE Select); 4 bases into the intron after coding-DNA position 290, A replaced by G.
Molecular consequence: intron variant.
Genome position (GRCh38, 1-based): chr19:1,207,207, A>G. VCF-style: chr19-1207207-A-G. GRCh37 (hg19) VCF-style: chr19-1207206-A-G.
Other names: c.290+4A>G (NM_001407255.1).
Identifiers: ClinVar variation 3323264 (VCV003323264.2).
Genomic context (GRCh38, chr19:1,207,207, plus strand): 5'-GATCCTCAAGAAGAAGAAGTTGCGAAGGATCCCCAACGGGGAGGCCAACGTGAAGAAGTA[A>G]GTATGGCTTGCTGGGGTCGGGGCCGGGCCGGGCCAGTCACGGTGCTGATGGTTCTGTCTT-3'

ClinVar aggregate classification (germline): Uncertain significance. Review status: criteria provided, multiple submitters, no conflicts (2 of 4 stars). 2 submissions from 2 submitters: Uncertain significance (2). Last evaluated 2025-11-03.

Conditions:
Peutz-Jeghers syndrome (PJS). Also called: POLYPOSIS, HAMARTOMATOUS INTESTINAL; POLYPS-AND-SPOTS SYNDROME; Peutz-Jeghers polyposis; Periorificial lentiginosis syndrome. Identifiers: Orphanet 2869, MedGen C0031269, MeSH D010580, MONDO:0008280, OMIM 175200.
Hereditary cancer-predisposing syndrome. Also called: Neoplastic Syndromes, Hereditary; Hereditary neoplastic syndrome; Tumor predisposition; Hereditary Cancer Syndrome. Identifiers: Orphanet 140162, MedGen C0027672, MeSH D009386, MONDO:0015356.

Submissions (2):

Labcorp Genetics (formerly Invitae), Labcorp
Classification: Uncertain significance for Peutz-Jeghers syndrome. Last evaluated: 2025-11-03. Review status: criteria provided, single submitter. Criteria: Invitae Variant Classification Sherloc (09022015). Collection method: clinical testing. Allele origin: germline.
Comment: This sequence change falls in intron 1 of the STK11 gene. It does not directly change the encoded amino acid sequence of the STK11 protein. It affects a nucleotide within the consensus splice site. This variant is not present in population databases (gnomAD no frequency). This variant has not been reported in the literature in individuals affected with STK11-related conditions. ClinVar contains an entry for this variant (Variation ID: 3323264). Variants that disrupt the consensus splice site are a relatively common cause of aberrant splicing (PMID: 17576681, 9536098). Algorithms developed to predict the effect of sequence changes on RNA splicing suggest that this variant may create or strengthen a splice site. In summary, the available evidence is currently insufficient to determine the role of this variant in disease. Therefore, it has been classified as a Variant of Uncertain Significance.

Ambry Genetics
Classification: Uncertain significance for Hereditary cancer-predisposing syndrome. Last evaluated: 2024-04-30. Review status: criteria provided, single submitter. Criteria: Ambry Variant Classification Scheme 2023. Collection method: clinical testing. Allele origin: germline.
Comment: The c.290+4A>G intronic variant results from an A to G substitution 4 nucleotides after coding exon 1 in the STK11 gene. This nucleotide position is well conserved in available vertebrate species. In silico splice site analysis predicts that this alteration will result in the creation or strengthening of a novel splice donor site; however, direct evidence is insufficient at this time (Ambry internal data). Based on the available evidence, the clinical significance of this variant remains unclear.

Literature cited by the submitters: PubMed 17576681 (cited by Labcorp Genetics (formerly Invitae), Labcorp); PubMed 9536098 (cited by Labcorp Genetics (formerly Invitae), Labcorp).